The following is an entry in ClinVar:

NM_003190.5(TAPBP):c.622C>T (p.Arg208Cys)

Gene: TAPBP (TAP binding protein; minus strand). Cytogenetic location: 6p21.32.
Variant type: single nucleotide variant.
Coding change: c.622C>T on transcript NM_003190.5 (MANE Select); coding-DNA position 622, C replaced by T.
Protein change: p.Arg208Cys; replaces arginine 208 with cysteine.
Molecular consequence: missense variant.
Genome position (GRCh38, 1-based): chr6:33,305,235, G>A on the plus strand (C>T on the coding strand, the complement: TAPBP is on the minus strand). VCF-style: chr6-33305235-G-A. GRCh37 (hg19) VCF-style: chr6-33273012-G-A.
Other names: c.622C>T (NM_003190.4); c.622C>T, p.Arg208Cys (NM_172208.3); c.361C>T, p.Arg121Cys (NM_172209.3); short protein forms R208C, R121C.
Identifiers: ClinVar variation 1353085 (VCV001353085.9), dbSNP rs746670734, ClinGen allele CA3755841.
Genomic context (GRCh38, chr6:33,305,235, plus strand): 5'-TCTGGCCATTCAGCCCAGGAGTTGCAGCCAGGAGCAGATGTCCCTTACCCAGGTGCTGGC[G>A]TCGCCACTCTAGCCCAAAGGGAGGGGGACCCGGAGCCAGAGATGAGGCGGCCTCGGAGGT-3'
Protein context (NP_003181.3, residues 198-218): GPPPFGLEWR[Arg208Cys]QHLGKGHLLL

ClinVar aggregate classification (germline): Uncertain significance. Review status: criteria provided, multiple submitters, no conflicts (2 of 4 stars). 2 submissions from 2 submitters: Uncertain significance (2). Last evaluated 2023-12-20.

Conditions:
MHC class I deficiency. Identifiers: Orphanet 34592, MedGen C6024714, MONDO:0011476.

Allele frequency attached by ClinVar (database versions not stated): gnomAD exomes 0.00002 and 0.00001; ExAC 0.00003; gnomAD 0.00001; TOPMed 0.00002.

Submissions (2):

Labcorp Genetics (formerly Invitae), Labcorp
Classification: Uncertain significance for MHC class I deficiency 1. Last evaluated: 2023-12-20. Review status: criteria provided, single submitter. Criteria: Invitae Variant Classification Sherloc (09022015). Collection method: clinical testing. Allele origin: germline.
Comment: This sequence change replaces arginine, which is basic and polar, with cysteine, which is neutral and slightly polar, at codon 208 of the TAPBP protein (p.Arg208Cys). This variant is present in population databases (rs746670734, gnomAD 0.004%). This variant has not been reported in the literature in individuals affected with TAPBP-related conditions. ClinVar contains an entry for this variant (Variation ID: 1353085). An algorithm developed to predict the effect of missense changes on protein structure and function (PolyPhen-2) suggests that this variant is likely to be disruptive. In summary, the available evidence is currently insufficient to determine the role of this variant in disease. Therefore, it has been classified as a Variant of Uncertain Significance.

Ambry Genetics
Classification: Uncertain significance. Last evaluated: 2023-07-17. Review status: criteria provided, single submitter. Criteria: Ambry Variant Classification Scheme 2023. Collection method: clinical testing. Allele origin: germline.